The following is an entry in ClinVar:

NM_000142.5(FGFR3):c.875A>T (p.Glu292Val)

Gene: FGFR3 (fibroblast growth factor receptor 3; plus strand). Cytogenetic location: 4p16.3.
Variant type: single nucleotide variant.
Coding change: c.875A>T on transcript NM_000142.5 (MANE Select); coding-DNA position 875, A replaced by T.
Protein change: p.Glu292Val; replaces glutamic acid 292 with valine.
Molecular consequence: missense variant. On other transcripts: non-coding transcript variant (1).
Genome position (GRCh38, 1-based): chr4:1,801,970, A>T. VCF-style: chr4-1801970-A-T. GRCh37 (hg19) VCF-style: chr4-1803697-A-T.
Other names: c.875A>T, p.Glu292Val (NM_001163213.2, NM_001354809.2, NM_001354810.2 and 1 more transcripts); short protein forms E292V.
Identifiers: ClinVar variation 978565 (VCV000978565.2), dbSNP rs993429581, ClinGen allele CA91250013.

ClinVar aggregate classification (germline): Uncertain significance. Review status: criteria provided, multiple submitters, no conflicts (2 of 4 stars). 2 submissions from 2 submitters: Uncertain significance (2). Last evaluated 2026-06-23.

Conditions:
FGFR3-related chondrodysplasia. Identifiers: Orphanet 93420, MedGen C5681604, MONDO:0019685.
Pituitary stalk interruption syndrome. Identifiers: Orphanet 95496, MedGen C4053775, MONDO:0019828.

Allele frequency attached by ClinVar (database versions not stated): TOPMed below 0.00001.

Submissions (2):

Genomenon, Inc
Classification: Uncertain significance for FGFR3-related chondrodysplasia. Last evaluated: 2026-06-23. Review status: criteria provided, single submitter. Criteria: Genomenon Sequence Variant Interpretation Standards - Updated. Collection method: curation. Allele origin: germline. Affected: no.
Comment: FGFR3 p.Glu292Val (c.875A>T) is a missense variant that changes the amino acid at codon 292 from Glutamic acid to Valine. This variant has been reported in the published literature (PMID:33270637). It is absent or not present at a significant frequency in gnomAD. In silico models predict that this variant is possibly or probably damaging. In conclusion, we classify FGFR3 p.Glu292Val (c.875A>T) as a variant of uncertain significance.

Human Developmental Genetics, Institut Pasteur
Classification: Uncertain significance for Pituitary stalk interruption syndrome. Last evaluated: 2020-04-01. Review status: criteria provided, single submitter. Criteria: ACMG Guidelines, 2015. Collection method: research. Allele origin: unknown. Affected: yes.

Literature cited by the submitters: PubMed 33270637 (cited by Genomenon, Inc).